The following is an entry in ClinVar:

NM_000093.5(COL5A1):c.114G>C (p.Gln38His)

Gene: COL5A1 (collagen type V alpha 1 chain; plus strand). Cytogenetic location: 9q34.3.
Variant type: single nucleotide variant.
Coding change: c.114G>C on transcript NM_000093.5 (MANE Select); coding-DNA position 114, G replaced by C.
Protein change: p.Gln38His; replaces glutamine 38 with histidine.
Molecular consequence: missense variant.
Genome position (GRCh38, 1-based): chr9:134,690,916, G>C. VCF-style: chr9-134690916-G-C. GRCh37 (hg19) VCF-style: chr9-137582762-G-C.
Other names: c.114G>C, p.Gln38His (NM_001278074.1); short protein forms Q38H.
Identifiers: ClinVar variation 4801874 (VCV004801874.1).

ClinVar aggregate classification (germline): Uncertain significance (1 of 4 stars; one submission).

Conditions:
Ehlers-Danlos syndrome, classic type, 1 (EDSCL1). Also called: EHLERS-DANLOS SYNDROME, GRAVIS TYPE; EHLERS-DANLOS SYNDROME, SEVERE CLASSIC TYPE; Ehlers-Danlos syndrome, type 1; Ehlers-Danlos Syndrome, Classic Type, COL5A1-Related; EDS I. Identifiers: MedGen C0268335, MONDO:0019567, OMIM 130000.

Submission:

Labcorp Genetics (formerly Invitae), Labcorp
Classification: Uncertain significance for Ehlers-Danlos syndrome, classic type, 1. Last evaluated: 2025-11-03. Review status: criteria provided, single submitter. Criteria: Invitae Variant Classification Sherloc (09022015). Collection method: clinical testing. Allele origin: germline.
Comment: This sequence change replaces glutamine, which is neutral and polar, with histidine, which is basic and polar, at codon 38 of the COL5A1 protein (p.Gln38His). This variant is not present in population databases (gnomAD no frequency). This variant has not been reported in the literature in individuals affected with COL5A1-related conditions. Invitae Evidence Modeling of protein sequence and biophysical properties (such as structural, functional, and spatial information, amino acid conservation, physicochemical variation, residue mobility, and thermodynamic stability) indicates that this missense variant is not expected to disrupt COL5A1 protein function with a negative predictive value of 95%. In summary, the available evidence is currently insufficient to determine the role of this variant in disease. Therefore, it has been classified as a Variant of Uncertain Significance.